The following is an entry in ClinVar:

ClinVar aggregate classification (germline): Uncertain significance (1 of 4 stars; one submission).

gnomAD v4.1: 3 of 1,604,568 alleles (0.00019%); highest among the groups gnomAD compares: Non-Finnish European, 0.00026%; no homozygotes.

Submission:

GeneDx
Classification: Uncertain significance. Last evaluated: 2026-02-24. Review status: criteria provided, single submitter. Criteria: GeneDx Variant Classification Process June 2021. Collection method: clinical testing. Allele origin: germline.
Comment: Not observed at significant frequency in large population cohorts (gnomAD); In silico analysis supports that this missense variant has a deleterious effect on protein structure/function; Has not been previously published as pathogenic or benign to our knowledge

NM_001393504.1(MAST3):c.928C>T (p.Arg310Trp)

Gene: MAST3 (microtubule associated serine/threonine kinase 3; plus strand). Cytogenetic location: 19p13.11.
Variant type: single nucleotide variant.
Coding change: c.928C>T on transcript NM_001393504.1 (MANE Select); coding-DNA position 928, C replaced by T.
Protein change: p.Arg310Trp; replaces arginine 310 with tryptophan.
Molecular consequence: missense variant.
Genome position (GRCh38, 1-based): chr19:18,124,349, C>T. VCF-style: chr19-18124349-C-T. GRCh37 (hg19) VCF-style: chr19-18235159-C-T.
Other names: c.952C>T, p.Arg318Trp (NM_001393501.1); c.931C>T, p.Arg311Trp (NM_001393502.1); c.928C>T, p.Arg310Trp (NM_001393503.1); c.925C>T, p.Arg309Trp (NM_001393505.1); c.880C>T, p.Arg294Trp (NM_001393506.1, NM_001393513.1); c.907C>T, p.Arg303Trp (NM_001393507.1); c.862C>T, p.Arg288Trp (NM_001393508.1, NM_001393516.1); c.859C>T, p.Arg287Trp (NM_001393509.1, NM_001393510.1, NM_001393512.1 and 2 more transcripts); and 4 more; short protein forms R286W, R288W, R294W, R318W, R272W, R281W, R287W, R309W.
Identifiers: ClinVar variation 5009780 (VCV005009780.1).